The following is an entry in ClinVar:

ClinVar aggregate classification (germline): Uncertain significance (1 of 4 stars; one submission).

Conditions:
Nemaline myopathy 10 (NEM10). Identifiers: MedGen C4015360, MONDO:0014513, OMIM 616165.

Submission:

Labcorp Genetics (formerly Invitae), Labcorp
Classification: Uncertain significance for Nemaline myopathy 10. Last evaluated: 2022-07-19. Review status: criteria provided, single submitter. Criteria: Invitae Variant Classification Sherloc (09022015). Collection method: clinical testing. Allele origin: germline.
Comment: In summary, the available evidence is currently insufficient to determine the role of this variant in disease. Therefore, it has been classified as a Variant of Uncertain Significance. Algorithms developed to predict the effect of missense changes on protein structure and function output the following: SIFT: "Tolerated"; PolyPhen-2: "Benign"; Align-GVGD: "Class C0". The serine amino acid residue is found in multiple mammalian species, which suggests that this missense change does not adversely affect protein function. ClinVar contains an entry for this variant (Variation ID: 1015263). This variant has not been reported in the literature in individuals affected with LMOD3-related conditions. This variant is not present in population databases (gnomAD no frequency). This sequence change replaces glycine, which is neutral and non-polar, with serine, which is neutral and polar, at codon 175 of the LMOD3 protein (p.Gly175Ser).

NM_198271.5(LMOD3):c.523G>A (p.Gly175Ser)

Gene: LMOD3 (leiomodin 3; minus strand). Cytogenetic location: 3p14.1.
Variant type: single nucleotide variant.
Coding change: c.523G>A on transcript NM_198271.5 (MANE Select); coding-DNA position 523, G replaced by A.
Protein change: p.Gly175Ser; replaces glycine 175 with serine.
Molecular consequence: missense variant.
Genome position (GRCh38, 1-based): chr3:69,119,832, C>T on the plus strand (G>A on the coding strand, the complement: LMOD3 is on the minus strand). VCF-style: chr3-69119832-C-T. GRCh37 (hg19) VCF-style: chr3-69168983-C-T.
Other names: c.523G>A, p.Gly175Ser (NM_001304418.3); short protein forms G175S.
Identifiers: ClinVar variation 1015263 (VCV001015263.5), dbSNP rs2092398483, ClinGen allele CA353476171.